The following is an entry in ClinVar:

ClinVar aggregate classification (germline): Likely pathogenic (1 of 4 stars; one submission).

Conditions:
Anemia, nonspherocytic hemolytic, due to G6PD deficiency (CNSHA1). Also called: Hemolytic anemia due to G6PD deficiency; Class I glucose-6-phosphate dehydrogenase deficiency; Favism, susceptibility to; ANEMIA, CONGENITAL, NONSPHEROCYTIC HEMOLYTIC, 1. Identifiers: Orphanet 466026, MedGen C2720289, MONDO:0010480, OMIM 300908.

Submission:

Dunham Lab, University of Washington
Classification: Likely pathogenic for Anemia, nonspherocytic hemolytic, due to G6PD deficiency. Last evaluated: 2022-08-12. Review status: criteria provided, single submitter. Criteria: Bayesian ACMG Guidelines, 2018. Collection method: curation. Allele origin: maternal. Affected: yes.
Comment: Variant found in hemizygotes with G6PD deficiency (PP4); Decreased activity in red blood cells of hemizygote (20%) (PS3). Not observed in gnomAD (PM2). Post_P 0.975 (odds of pathogenicity 350.3, Prior_P 0.1).

Literature cited by the submitters: PubMed 9589612.

NM_001360016.2(G6PD):c.371A>G (p.His124Arg)

Gene: G6PD (glucose-6-phosphate dehydrogenase; minus strand). Cytogenetic location: Xq28.
Variant type: single nucleotide variant.
Coding change: c.371A>G on transcript NM_001360016.2 (MANE Select); coding-DNA position 371, A replaced by G.
Protein change: p.His124Arg; replaces histidine 124 with arginine.
Molecular consequence: missense variant.
Genome position (GRCh38, 1-based): chrX:154,535,282, T>C on the plus strand (A>G on the coding strand, the complement: G6PD is on the minus strand). VCF-style: chrX-154535282-T-C. GRCh37 (hg19) VCF-style: chrX-153763497-T-C.
Other names: c.461A>G, p.His154Arg (NM_000402.4); c.371A>G, p.His124Arg (NM_001042351.3); short protein forms H124R, H154R.
Identifiers: ClinVar variation 1722721 (VCV001722721.2), dbSNP rs2523271102, ClinGen allele CA415238694.
Genomic context (GRCh38, chrX:154,535,282, plus strand): 5'-GGGGGCAAGGCCAGGTAGAAGAGGCGGTTGGCCTGTGACCCCAGGTGGAGGGCATTCATG[T>C]GGCTGTTGAGGCGCTGGTAGGAGGCTGCATCATCGTACTGGCCAGCCACATAGGAGTTGC-3'
Protein context (NP_001346945.1, residues 114-134): DAASYQRLNS[His124Arg]MNALHLGSQA